The following is an entry in ClinVar:

ClinVar aggregate classification (germline): Uncertain significance (1 of 4 stars; one submission).

Submission:

Ambry Genetics
Classification: Uncertain significance. Last evaluated: 2024-01-19. Review status: criteria provided, single submitter. Criteria: Ambry Variant Classification Scheme 2023. Collection method: clinical testing. Allele origin: germline.
Comment: The p.K225R variant (also known as c.674A>G), located in coding exon 7 of the PRKDC gene, results from an A to G substitution at nucleotide position 674. The lysine at codon 225 is replaced by arginine, an amino acid with highly similar properties. This amino acid position is conserved. In addition, this alteration is predicted to be tolerated by in silico analysis. Based on the available evidence, the clinical significance of this alteration remains unclear.

NM_006904.7(PRKDC):c.674A>G (p.Lys225Arg)

Gene: PRKDC (protein kinase, DNA-activated, catalytic subunit; minus strand). Cytogenetic location: 8q11.21.
Variant type: single nucleotide variant.
Coding change: c.674A>G on transcript NM_006904.7 (MANE Select); coding-DNA position 674, A replaced by G.
Protein change: p.Lys225Arg; replaces lysine 225 with arginine.
Molecular consequence: missense variant.
Genome position (GRCh38, 1-based): chr8:47,953,667, T>C on the plus strand (A>G on the coding strand, the complement: PRKDC is on the minus strand). VCF-style: chr8-47953667-T-C. GRCh37 (hg19) VCF-style: chr8-48866227-T-C.
Other names: c.674A>G, p.Lys225Arg (NM_001081640.2); short protein forms K225R.
Identifiers: ClinVar variation 3225895 (VCV003225895.1), dbSNP rs2551881742, ClinGen allele CA371138368.